The following is an entry in ClinVar:

ClinVar aggregate classification (germline): Likely benign (0 of 4 stars; one submission).

Conditions:
CDON-related disorder. Also called: CDON-related condition.

Submission:

PreventionGenetics, part of Exact Sciences
Classification: Likely benign for CDON-related condition. Last evaluated: 2019-05-02. Review status: no assertion criteria provided. Collection method: clinical testing. Allele origin: germline.
Comment: This variant is classified as likely benign based on ACMG/AMP sequence variant interpretation guidelines (Richards et al. 2015 PMID: 25741868, with internal and published modifications).

NM_001378964.1(CDON):c.1553-17TC[6]

Gene: CDON (cell adhesion associated, oncogene regulated; minus strand). Cytogenetic location: 11q24.2.
Variant type: Microsatellite.
Coding change: c.1553-17TC[6] on transcript NM_001378964.1 (MANE Select); six copies in a row of the 2-base unit TC starting at c.1553-17; the reference has five copies in a row; one copy, 2 bases duplicated.
Molecular consequence: intron variant.
Genome position (GRCh38, 1-based): chr11:126,006,065-126,006,066, GA duplicated on the plus strand (TC on the coding strand, the reverse complement: CDON is on the minus strand); duplicating any 2 consecutive bases within chr11:126,006,065-126,006,075 gives the same sequence; the position shown is the placement nearest the transcript's 3' end. VCF-style (leftmost placement, unchanged base first): chr11-126006064-G-GGA. GRCh37 (hg19) VCF-style: chr11-125875959-G-GGA.
Other names: c.1553-17TC[6] (NM_001441166.1, NM_016952.6, NM_001243597.3 and 5 more transcripts).
Identifiers: ClinVar variation 3060769 (VCV003060769.2), dbSNP rs762936563, ClinGen allele CA602343998.